The following is an entry in ClinVar:

ClinVar aggregate classification (germline): Uncertain significance (1 of 4 stars; one submission).

Conditions:
Multiple endocrine neoplasia, type 2 (MEN2). Identifiers: Orphanet 653, MedGen C4048306, MONDO:0019003. Disease mechanism: gain of function.

Submission:

Labcorp Genetics (formerly Invitae), Labcorp
Classification: Uncertain significance for Multiple endocrine neoplasia, type 2. Last evaluated: 2024-03-06. Review status: criteria provided, single submitter. Criteria: Invitae Variant Classification Sherloc (09022015). Collection method: clinical testing. Allele origin: germline.
Comment: This sequence change replaces threonine, which is neutral and polar, with serine, which is neutral and polar, at codon 488 of the RET protein (p.Thr488Ser). This variant is not present in population databases (gnomAD no frequency). This variant has not been reported in the literature in individuals affected with RET-related conditions. Algorithms developed to predict the effect of missense changes on protein structure and function output the following: SIFT: "Not Available"; PolyPhen-2: "Benign"; Align-GVGD: "Not Available". The serine amino acid residue is found in multiple mammalian species, which suggests that this missense change does not adversely affect protein function. In summary, the available evidence is currently insufficient to determine the role of this variant in disease. Therefore, it has been classified as a Variant of Uncertain Significance.

NM_020975.6(RET):c.1463C>G (p.Thr488Ser)

Gene: RET (ret proto-oncogene; plus strand). Cytogenetic location: 10q11.21.
Variant type: single nucleotide variant.
Coding change: c.1463C>G on transcript NM_020975.6 (MANE Select); coding-DNA position 1463, C replaced by G.
Protein change: p.Thr488Ser; replaces threonine 488 with serine.
Molecular consequence: missense variant. On other transcripts: intron variant (15).
Genome position (GRCh38, 1-based): chr10:43,111,406, C>G. VCF-style: chr10-43111406-C-G. GRCh37 (hg19) VCF-style: chr10-43606854-C-G.
Other names: c.1334C>G, p.Thr445Ser (NM_001406768.1, NM_001406761.1, NM_001406762.1 and 1 more transcripts); c.1067C>G, p.Thr356Ser (NM_001406769.1, NM_001406772.1); c.1175C>G, p.Thr392Ser (NM_001406770.1, NM_001406766.1, NM_001406767.1); c.1025C>G, p.Thr342Ser (NM_001406771.1, NM_001406773.1); c.938C>G, p.Thr313Ser (NM_001406774.1); c.737C>G, p.Thr246Ser (NM_001406775.1, NM_001406776.1, NM_001406777.1 and 1 more transcripts); c.701C>G, p.Thr234Ser (NM_001355216.2); c.1463C>G, p.Thr488Ser (NM_001406743.1, NM_001406744.1, NM_001406759.1 and 4 more transcripts); and 5 more; short protein forms T342S, T246S, T445S, T158S, T356S, T392S, T488S, T234S.
Identifiers: ClinVar variation 3644713 (VCV003644713.2).